The following is an entry in ClinVar:

ClinVar aggregate classification (germline): Likely pathogenic (1 of 4 stars; one submission).

Submission:

Labcorp Genetics (formerly Invitae), Labcorp
Classification: Likely pathogenic. Last evaluated: 2022-10-24. Review status: criteria provided, single submitter. Criteria: Invitae Variant Classification Sherloc (09022015). Collection method: clinical testing. Allele origin: germline.
Comment: In summary, the currently available evidence indicates that the variant is pathogenic, but additional data are needed to prove that conclusively. Therefore, this variant has been classified as Likely Pathogenic. This variant has not been reported in the literature in individuals affected with SLCO2A1-related conditions. This variant results in a copy number gain of the genomic region encompassing exon(s) 2-11 of the SLCO2A1 gene. While the exact position of this variant cannot be determined from the data, sub-genic copy number gains are generally in tandem (PMID: 25640679). This variant is predicted to be out-of-frame, and may result in an absent or disrupted protein product. Loss-of-function variants in SLCO2A1 are known to be pathogenic (PMID: 22553128, 23509104).

Literature cited by the submitters: PubMed 25640679; PubMed 22553128; PubMed 23509104.

NC_000003.11:g.(?_133661429)_(133698482_?)dup

Gene: SLCO2A1 (solute carrier organic anion transporter family member 2A1; minus strand). Cytogenetic location: 3q22.1.
Variant type: Duplication.
Identifiers: ClinVar variation 2425390 (VCV002425390.4).